The following is an entry in ClinVar:

ClinVar aggregate classification (germline): Uncertain significance (1 of 4 stars; one submission).

Conditions:
Amyotrophic lateral sclerosis type 6. Also called: FUS-Related Amyotrophic Laterial Sclerosis; AMYOTROPHIC LATERAL SCLEROSIS 6 WITHOUT FRONTOTEMPORAL DEMENTIA; Amyotrophic lateral sclerosis 6, with or without frontotemporal dementia. Identifiers: Orphanet 275872, Orphanet 803, MedGen C2931786, MONDO:0011951, OMIM 608030.
Tremor, hereditary essential, 4 (ETM4). Identifiers: MedGen C3539195, MONDO:0013888, OMIM 614782.

Submission:

Labcorp Genetics (formerly Invitae), Labcorp
Classification: Uncertain significance for Tremor, hereditary essential, 4; Amyotrophic lateral sclerosis type 6. Last evaluated: 2025-07-02. Review status: criteria provided, single submitter. Criteria: Invitae Variant Classification Sherloc (09022015). Collection method: clinical testing. Allele origin: germline.
Comment: This sequence change replaces aspartic acid, which is acidic and polar, with asparagine, which is neutral and polar, at codon 327 of the FUS protein (p.Asp327Asn). This variant is not present in population databases (gnomAD no frequency). This variant has not been reported in the literature in individuals affected with FUS-related conditions. An algorithm developed to predict the effect of missense changes on protein structure and function (PolyPhen-2) suggests that this variant is likely to be disruptive. In summary, the available evidence is currently insufficient to determine the role of this variant in disease. Therefore, it has been classified as a Variant of Uncertain Significance.

NM_004960.4(FUS):c.979G>A (p.Asp327Asn)

Gene: FUS (FUS RNA binding protein; plus strand). Cytogenetic location: 16p11.2.
Variant type: single nucleotide variant.
Coding change: c.979G>A on transcript NM_004960.4 (MANE Select); coding-DNA position 979, G replaced by A.
Protein change: p.Asp327Asn; replaces aspartic acid 327 with asparagine.
Molecular consequence: missense variant. On other transcripts: non-coding transcript variant (1).
Genome position (GRCh38, 1-based): chr16:31,189,707, G>A. VCF-style: chr16-31189707-G-A. GRCh37 (hg19) VCF-style: chr16-31201028-G-A.
Other names: c.976G>A, p.Asp326Asn (NM_001170634.1); c.967G>A, p.Asp323Asn (NM_001170937.1); short protein forms D323N, D326N, D327N.
Identifiers: ClinVar variation 4792054 (VCV004792054.1).